The following is an entry in ClinVar:

NM_001008537.3(NEXMIF):c.1666del (p.Leu555_Val556insTer)

Gene: NEXMIF (neurite extension and migration factor; minus strand). Cytogenetic location: Xq13.3.
Variant type: Deletion.
Coding change: c.1666del on transcript NM_001008537.3 (MANE Select); coding-DNA position 1666, one base deleted (G; older notation c.1666delG).
Protein change: p.Leu555_Val556insTer.
Molecular consequence: nonsense.
Genome position (GRCh38, 1-based): chrX:74,742,891, C deleted on the plus strand (G on the coding strand, the reverse complement: NEXMIF is on the minus strand); the first of 2 consecutive C bases (chrX:74,742,891-74,742,892); deleting either gives the same sequence. VCF-style (leftmost placement, unchanged base first): chrX-74742890-AC-A. GRCh37 (hg19) VCF-style: chrX-73962725-AC-A.
Identifiers: ClinVar variation 2706011 (VCV002706011.3), dbSNP rs2519915114, ClinGen allele CA2697553159.

ClinVar aggregate classification (germline): Pathogenic (1 of 4 stars; one submission).

Submission:

Labcorp Genetics (formerly Invitae), Labcorp
Classification: Pathogenic. Last evaluated: 2023-12-28. Review status: criteria provided, single submitter. Criteria: Invitae Variant Classification Sherloc (09022015). Collection method: clinical testing. Allele origin: germline.
Comment: This sequence change creates a premature translational stop signal (p.Val556*) in the NEXMIF gene. It is expected to result in an absent or disrupted protein product. Loss-of-function variants in NEXMIF are known to be pathogenic (PMID: 23615299). This variant is not present in population databases (gnomAD no frequency). This variant has not been reported in the literature in individuals affected with NEXMIF-related conditions. For these reasons, this variant has been classified as Pathogenic.

Literature cited by the submitters: PubMed 23615299.